The following is an entry in ClinVar:

ClinVar aggregate classification (germline): Uncertain significance. Review status: criteria provided, multiple submitters, no conflicts (2 of 4 stars). 2 submissions from 2 submitters: Uncertain significance (2). Last evaluated 2025-12-15.

Conditions:
Hereditary cancer-predisposing syndrome. Also called: Neoplastic Syndromes, Hereditary; Tumor predisposition; Hereditary neoplastic syndrome; Hereditary Cancer Syndrome. Identifiers: Orphanet 140162, MedGen C0027672, MeSH D009386, MONDO:0015356.

Allele frequency attached by ClinVar (database versions not stated): gnomAD exomes below 0.00001 and 0.00001.
gnomAD v4.1: 2 of 1,613,376 alleles (0.00012%); highest among the groups gnomAD compares: South Asian, 0.0022%; no homozygotes.

Submissions (2):

Ambry Genetics
Classification: Uncertain significance for Hereditary cancer-predisposing syndrome. Last evaluated: 2025-12-15. Review status: criteria provided, single submitter. Criteria: Ambry Variant Classification Scheme 2023. Collection method: clinical testing. Allele origin: germline.
Comment: The p.V632I variant (also known as c.1894G>A), located in coding exon 12 of the RAD50 gene, results from a G to A substitution at nucleotide position 1894. The valine at codon 632 is replaced by isoleucine, an amino acid with highly similar properties. This amino acid position is highly conserved in available vertebrate species. In addition, this alteration is predicted to be tolerated by in silico analysis. Since supporting evidence is limited at this time, the clinical significance of this alteration remains unclear.

Labcorp Genetics (formerly Invitae), Labcorp
Classification: Uncertain significance for Hereditary cancer-predisposing syndrome. Last evaluated: 2025-07-13. Review status: criteria provided, single submitter. Criteria: Invitae Variant Classification Sherloc (09022015). Collection method: clinical testing. Allele origin: germline.
Comment: This sequence change replaces valine, which is neutral and non-polar, with isoleucine, which is neutral and non-polar, at codon 632 of the RAD50 protein (p.Val632Ile). This variant is present in population databases (no rsID available, gnomAD 0.006%). This variant has not been reported in the literature in individuals affected with RAD50-related conditions. ClinVar contains an entry for this variant (Variation ID: 457389). Invitae Evidence Modeling of protein sequence and biophysical properties (such as structural, functional, and spatial information, amino acid conservation, physicochemical variation, residue mobility, and thermodynamic stability) indicates that this missense variant is not expected to disrupt RAD50 protein function with a negative predictive value of 80%. In summary, the available evidence is currently insufficient to determine the role of this variant in disease. Therefore, it has been classified as a Variant of Uncertain Significance.

NM_005732.4(RAD50):c.1894G>A (p.Val632Ile)

Gene: RAD50 (RAD50 double strand break repair protein; plus strand). Cytogenetic location: 5q31.1.
Variant type: single nucleotide variant.
Coding change: c.1894G>A on transcript NM_005732.4 (MANE Select); coding-DNA position 1894, G replaced by A.
Protein change: p.Val632Ile; replaces valine 632 with isoleucine.
Molecular consequence: missense variant.
Genome position (GRCh38, 1-based): chr5:132,594,969, G>A. VCF-style: chr5-132594969-G-A. GRCh37 (hg19) VCF-style: chr5-131930661-G-A.
Other names: short protein forms V632I.
Identifiers: ClinVar variation 457389 (VCV000457389.14), dbSNP rs1220796191, ClinGen allele CA360948040.